The following is an entry in ClinVar:

NM_005228.5(EGFR):c.3352G>T (p.Ala1118Ser)

Gene: EGFR (epidermal growth factor receptor; plus strand). Cytogenetic location: 7p11.2.
Variant type: single nucleotide variant.
Coding change: c.3352G>T on transcript NM_005228.5 (MANE Select); coding-DNA position 3352, G replaced by T.
Protein change: p.Ala1118Ser; replaces alanine 1118 with serine.
Molecular consequence: missense variant.
Genome position (GRCh38, 1-based): chr7:55,205,336, G>T. VCF-style: chr7-55205336-G-T. GRCh37 (hg19) VCF-style: chr7-55273029-G-T.
Other names: c.3217G>T, p.Ala1073Ser (NM_001346899.2); c.3193G>T, p.Ala1065Ser (NM_001346900.2); c.2551G>T, p.Ala851Ser (NM_001346941.2); short protein forms A1073S, A851S, A1065S, A1118S.
Identifiers: ClinVar variation 836064 (VCV000836064.10), dbSNP rs770749711, ClinGen allele CA367584429.

ClinVar aggregate classification (germline): Uncertain significance (1 of 4 stars; one submission).

Conditions:
EGFR-related lung cancer (EGFR). Identifiers: MedGen CN130014.

gnomAD v4.1: 1 of 1,612,356 alleles (0.000062%); no homozygotes.

Submission:

Labcorp Genetics (formerly Invitae), Labcorp
Classification: Uncertain significance for EGFR-related lung cancer. Last evaluated: 2020-12-07. Review status: criteria provided, single submitter. Criteria: Invitae Variant Classification Sherloc (09022015). Collection method: clinical testing. Allele origin: germline.
Comment: In summary, the available evidence is currently insufficient to determine the role of this variant in disease. Therefore, it has been classified as a Variant of Uncertain Significance. Algorithms developed to predict the effect of missense changes on protein structure and function (SIFT, PolyPhen-2, Align-GVGD) all suggest that this variant is likely to be tolerated, but these predictions have not been confirmed by published functional studies and their clinical significance is uncertain. This variant has not been reported in the literature in individuals with EGFR-related conditions. This variant is not present in population databases (ExAC no frequency). This sequence change replaces alanine with serine at codon 1118 of the EGFR protein (p.Ala1118Ser). The alanine residue is weakly conserved and there is a moderate physicochemical difference between alanine and serine.